The following is an entry in ClinVar:

NM_001029883.3(PCARE):c.947del (p.Asn316fs)

Gene: PCARE (photoreceptor cilium actin regulator; minus strand). Cytogenetic location: 2p23.2.
Variant type: Deletion.
Coding change: c.947del on transcript NM_001029883.3 (MANE Select); coding-DNA position 947, one base deleted (A; older notation c.947delA).
Protein change: p.Asn316fs; shifts the reading frame from asparagine 316.
Molecular consequence: frameshift variant.
Genome position (GRCh38, 1-based): chr2:29,073,315, T deleted on the plus strand (A on the coding strand, the reverse complement: PCARE is on the minus strand); the first of 2 consecutive T bases (chr2:29,073,315-29,073,316); deleting either gives the same sequence. VCF-style (leftmost placement, unchanged base first): chr2-29073314-AT-A. GRCh37 (hg19) VCF-style: chr2-29296180-AT-A.
Other names: PCARE, 1-BP DEL, 946A; c.947delA (NM_001029883.2); short protein forms N316fs.
Identifiers: ClinVar variation 103 (VCV000000103.12), dbSNP rs779886453, ClinGen allele CA251387.
Genomic context (GRCh38, chr2:29,073,314, plus strand): 5'-GCCACAGCCACTCGCCAGGCTCTCTAGCTGCCTCAGAGCCCTCAGGAGGCGTTCATCCAC[AT>A]TCCTTTTTGTGCTCAGCTTATTTTCCAAGTGGGTTGCAGTGGAGTGGAGGTAGCTGCTGG-3'

ClinVar aggregate classification (germline): Pathogenic. Review status: criteria provided, multiple submitters, no conflicts (2 of 4 stars). 5 submissions from 5 submitters: Pathogenic (3). 2 of the submissions do not count toward it. Last evaluated 2025-08-21.

Conditions:
C2ORF71 & PCARE-related disorders.
PCARE-related disorder. Also called: PCARE-related condition.
Stargardt disease (FFM). Also called: Fundus flavimaculatus; Stargardt's disease. Identifiers: Orphanet 827, MedGen C0271093, MONDO:0019353.
Retinitis pigmentosa 54 (RP54). Identifiers: Orphanet 791, MedGen C3150691, MONDO:0013263, OMIM 613428.

Submissions (5):

Labcorp Genetics (formerly Invitae), Labcorp
Classification: Pathogenic. Last evaluated: 2025-08-21. Review status: criteria provided, single submitter. Criteria: Invitae Variant Classification Sherloc (09022015). Collection method: clinical testing. Allele origin: germline.
Comment: This sequence change creates a premature translational stop signal (p.Asn316Metfs*7) in the PCARE gene. It is expected to result in an absent or disrupted protein product. Loss-of-function variants in PCARE are known to be pathogenic (PMID: 20398886, 24339724, 26496393). This variant is present in population databases (rs779886453, gnomAD 0.004%). This premature translational stop signal has been observed in individual(s) with autosomal recessive retinitis pigmentosa (PMID: 20398884). It has also been observed to segregate with disease in related individuals. This variant is also known as c.946 del; p.Asn237MetfsX5. ClinVar contains an entry for this variant (Variation ID: 103). For these reasons, this variant has been classified as Pathogenic.

PreventionGenetics, part of Exact Sciences
Classification: Pathogenic for PCARE-related condition. Last evaluated: 2024-11-19. Review status: criteria provided, single submitter. Criteria: ACMG Guidelines, 2015. Collection method: clinical testing. Allele origin: germline.
Comment: The PCARE c.947delA variant is predicted to result in a frameshift and premature protein termination (p.Asn316Metfs*7). This variant has been reported in the homozygous state individuals with PCARE-related inherited retinal disease (Collin et al. 2010. PubMed ID: 20398884; López-Rodríguez et al. 2024. PubMed ID: 38468717). This variant is reported in 0.0041% of alleles in individuals of African descent in gnomAD. Frameshift variants in PCARE are expected to be pathogenic. This variant is interpreted as pathogenic.

Blueprint Genetics
Classification: Pathogenic for C2ORF71 & PCARE-related disorders. Last evaluated: 2023-11-29. Review status: criteria provided, single submitter. Criteria: ACMG Guidelines, 2015. Collection method: clinical testing. Allele origin: germline. Affected: yes. Observed: 5 variant alleles.

Ophthalmo-Genetics Lab, Instituto de Oftalmologia Conde de Valenciana
Classification: Pathogenic for Stargardt disease. Last evaluated: 2022-12-13. Review status: no assertion criteria provided. Collection method: research. Allele origin: biparental. Inheritance: Autosomal recessive inheritance. Affected: yes. Observed: 1 homozygote. Not counted in ClinVar's aggregate classification.

OMIM
Classification: Pathogenic for RETINITIS PIGMENTOSA 54. Last evaluated: 2010-05-14. Review status: no assertion criteria provided. Collection method: literature only. Allele origin: germline. Not counted in ClinVar's aggregate classification.

Literature cited by the submitters: PubMed 20398886 (cited by Labcorp Genetics (formerly Invitae), Labcorp); PubMed 24339724 (cited by Labcorp Genetics (formerly Invitae), Labcorp); PubMed 26496393 (cited by Labcorp Genetics (formerly Invitae), Labcorp); PubMed 20398884 (cited by Labcorp Genetics (formerly Invitae), Labcorp and OMIM); PubMed 32312818 (cited by Ophthalmo-Genetics Lab, Instituto de Oftalmologia Conde de Valenciana); PubMed 4543597 (cited by OMIM).